The following is an entry in ClinVar:

ClinVar aggregate classification (germline): Uncertain significance (1 of 4 stars; one submission).

Conditions:
Rhabdoid tumor predisposition syndrome 2 (RTPS2). Identifiers: Orphanet 231108, Orphanet 69077, MedGen C2750074, MONDO:0013224, OMIM 613325.

Submission:

Labcorp Genetics (formerly Invitae), Labcorp
Classification: Uncertain significance for Rhabdoid tumor predisposition syndrome 2. Last evaluated: 2018-02-24. Review status: criteria provided, single submitter. Criteria: Invitae Variant Classification Sherloc (09022015). Collection method: clinical testing. Allele origin: germline.
Comment: This variant is not present in population databases (ExAC no frequency). This sequence change replaces phenylalanine with leucine at codon 1367 of the SMARCA4 protein (p.Phe1367Leu). The phenylalanine residue is highly conserved and there is a small physicochemical difference between phenylalanine and leucine. This variant has not been reported in the literature in individuals with SMARCA4-related disease. In summary, the available evidence is currently insufficient to determine the role of this variant in disease. Therefore, it has been classified as a Variant of Uncertain Significance. Algorithms developed to predict the effect of missense changes on protein structure and function do not agree on the potential impact of this missense change (SIFT: "Tolerated"; PolyPhen-2: "Benign"; Align-GVGD: "Class C0").

NM_003072.5(SMARCA4):c.4101C>G (p.Phe1367Leu)

Gene: SMARCA4 (SWI/SNF related BAF chromatin remodeling complex subunit ATPase 4; plus strand). Cytogenetic location: 19p13.2.
Variant type: single nucleotide variant.
Coding change: c.4101C>G on transcript NM_003072.5 (MANE Select); coding-DNA position 4101, C replaced by G.
Protein change: p.Phe1367Leu; replaces phenylalanine 1367 with leucine.
Molecular consequence: missense variant. On other transcripts: non-coding transcript variant (1).
Genome position (GRCh38, 1-based): chr19:11,035,063, C>G. VCF-style: chr19-11035063-C-G. GRCh37 (hg19) VCF-style: chr19-11145739-C-G.
Other names: c.4101C>G, p.Phe1367Leu (NM_001128844.3, NM_001128849.3, NM_001387283.1); c.4002C>G, p.Phe1334Leu (NM_001128845.2, NM_001128846.2, NM_001128847.4 and 2 more transcripts); short protein forms F1367L, F1334L.
Identifiers: ClinVar variation 571469 (VCV000571469.8), dbSNP rs772075876, ClinGen allele CA404068344.
Genomic context (GRCh38, chr19:11,035,063, plus strand): 5'-CATCAAGGACGACGCGGAGGTGGAGCGGCTGACCTGTGAGGAGGAGGAGGAGAAGATGTT[C>G]GGCCGTGGCTCCCGCCACCGCAAGGAGGTGGACTACAGCGACTCACTGACGGAGAAGCAG-3'
Protein context (NP_003063.2, residues 1357-1377): LTCEEEEEKM[Phe1367Leu]GRGSRHRKEV